The following is an entry in ClinVar:

ClinVar aggregate classification (germline): Uncertain significance. Review status: criteria provided, multiple submitters, no conflicts (2 of 4 stars). 2 submissions from 2 submitters: Uncertain significance (2). Last evaluated 2024-01-06.

Conditions:
Glycogen storage disease IXd (GSD9D). Also called: GSD IXd; Muscle Phosphorylase Kinase Deficiency. Identifiers: Orphanet 715, MedGen C1845151, MONDO:0010362, OMIM 300559.

gnomAD v4.1: 1 of 1,193,238 alleles (0.000084%); no homozygotes.

Submissions (2):

Labcorp Genetics (formerly Invitae), Labcorp
Classification: Uncertain significance for Glycogen storage disease IXd. Last evaluated: 2024-01-06. Review status: criteria provided, single submitter. Criteria: Invitae Variant Classification Sherloc (09022015). Collection method: clinical testing. Allele origin: germline.
Comment: This sequence change affects codon 1012 of the PHKA1 mRNA. It is a 'silent' change, meaning that it does not change the encoded amino acid sequence of the PHKA1 protein. This variant is not present in population databases (gnomAD no frequency). This variant has not been reported in the literature in individuals affected with PHKA1-related conditions. ClinVar contains an entry for this variant (Variation ID: 1319182). Algorithms developed to predict the effect of sequence changes on RNA splicing suggest that this variant may disrupt the consensus splice site. In summary, the available evidence is currently insufficient to determine the role of this variant in disease. Therefore, it has been classified as a Variant of Uncertain Significance.

Institute for Clinical Genetics, University Hospital TU Dresden, University Hospital TU Dresden
Classification: Uncertain significance. Last evaluated: 2021-11-03. Review status: criteria provided, single submitter. Criteria: ACMG Guidelines, 2015. Collection method: clinical testing. Allele origin: germline.

NM_002637.4(PHKA1):c.3036G>A (p.Val1012=)

Gene: PHKA1 (phosphorylase kinase regulatory subunit alpha 1; minus strand). Cytogenetic location: Xq13.1.
Variant type: single nucleotide variant.
Coding change: c.3036G>A on transcript NM_002637.4 (MANE Select); coding-DNA position 3036, G replaced by A.
Protein change: p.Val1012=; no amino-acid change (valine 1012 retained).
Molecular consequence: synonymous variant. On other transcripts: intron variant (2).
Genome position (GRCh38, 1-based): chrX:72,602,027, C>T on the plus strand (G>A on the coding strand, the complement: PHKA1 is on the minus strand). VCF-style: chrX-72602027-C-T. GRCh37 (hg19) VCF-style: chrX-71821877-C-T.
Other names: c.2856+131G>A (NM_001172436.2); c.3033+131G>A (NM_001122670.2).
Identifiers: ClinVar variation 1319182 (VCV001319182.6), dbSNP rs2147674398, ClinGen allele CA516751415.
Genomic context (GRCh38, chrX:72,602,027, plus strand): 5'-TTAAATGATCCCTAGTTGTTTCACCTGACTCTCAGCTGAGATTGACAGTCTACGAAATTC[C>T]ACCTGAAACATAAATGGCTCAAATTAAACTCAGAATGTGAAACAAAATAAATGACCCAAC-3'
Protein context (NP_002628.2, residues 1002-1022): IMQLKSEIKQ[Val1012=]EFRRLSISAE